The following is an entry in ClinVar:

NM_025114.4(CEP290):c.7213G>A (p.Glu2405Lys)

Genes: CEP290 (centrosomal protein 290; minus strand), RLIG1 (RNA 5'-phosphate and 3'-OH ligase 1; plus strand). Cytogenetic location: 12q21.32.
Variant type: single nucleotide variant.
Coding change: c.7213G>A on transcript NM_025114.4 (MANE Select); coding-DNA position 7213, G replaced by A.
Protein change: p.Glu2405Lys; replaces glutamic acid 2405 with lysine.
Molecular consequence: missense variant. On other transcripts: 3 prime UTR variant (1).
Genome position (GRCh38, 1-based): chr12:88,049,411, C>T on the plus strand (G>A on the coding strand, the complement: CEP290 is on the minus strand). VCF-style: chr12-88049411-C-T. GRCh37 (hg19) VCF-style: chr12-88443188-C-T.
Other names: c.*989C>T (NM_001009894.3); short protein forms E2405K.
Identifiers: ClinVar variation 1208688 (VCV001208688.7), dbSNP rs1393659962, ClinGen allele CA385973399.

ClinVar aggregate classification (germline): Uncertain significance. Review status: criteria provided, multiple submitters, no conflicts (2 of 4 stars). 3 submissions from 3 submitters: Uncertain significance (3). Last evaluated 2025-04-01.

Conditions:
Meckel-Gruber syndrome. Also called: Dysencephalia splachnocystica; DYSENCEPHALIA SPLANCHNOCYSTICA; GRUBER SYNDROME. Identifiers: Orphanet 564, MedGen C0265215, MONDO:0018921.
Joubert syndrome. Also called: JOUBERT-BOLTSHAUSER SYNDROME; Familial aplasia of the vermis. Identifiers: Orphanet 475, MedGen C5979921, MONDO:0018772.
Nephronophthisis. Also called: Juvenile Nephronophthisis. Identifiers: Orphanet 655, MedGen C0687120, MONDO:0019005, HP:0000090.

Allele frequency attached by ClinVar (database versions not stated): gnomAD exomes below 0.00001; gnomAD 0.00001; TOPMed 0.00001.
gnomAD v4.1: 2 of 1,387,406 alleles (0.00014%); highest among the groups gnomAD compares: Non-Finnish European, 0.0002%; no homozygotes.

Submissions (3):

Labcorp Genetics (formerly Invitae), Labcorp
Classification: Uncertain significance for Joubert syndrome; Meckel-Gruber syndrome; Nephronophthisis. Last evaluated: 2025-04-01. Review status: criteria provided, single submitter. Criteria: Invitae Variant Classification Sherloc (09022015). Collection method: clinical testing. Allele origin: germline.
Comment: This sequence change replaces glutamic acid, which is acidic and polar, with lysine, which is basic and polar, at codon 2405 of the CEP290 protein (p.Glu2405Lys). This variant is not present in population databases (gnomAD no frequency). This variant has not been reported in the literature in individuals affected with CEP290-related conditions. ClinVar contains an entry for this variant (Variation ID: 1208688). An algorithm developed to predict the effect of missense changes on protein structure and function (PolyPhen-2) suggests that this variant is likely to be tolerated. In summary, the available evidence is currently insufficient to determine the role of this variant in disease. Therefore, it has been classified as a Variant of Uncertain Significance.

Blueprint Genetics
Classification: Uncertain significance. Last evaluated: 2021-06-24. Review status: criteria provided, single submitter. Criteria: ACMG Guidelines, 2015. Collection method: clinical testing. Allele origin: germline.

GeneDx
Classification: Uncertain significance. Last evaluated: 2021-03-12. Review status: criteria provided, single submitter. Criteria: GeneDx Variant Classification Process June 2021. Collection method: clinical testing. Allele origin: germline. Affected: yes.
Comment: Not observed in large population cohorts (Lek et al., 2016); In silico analysis supports that this missense variant does not alter protein structure/function; Has not been previously published as pathogenic or benign to our knowledge